The following is an entry in ClinVar:

ClinVar aggregate classification (germline): Pathogenic (1 of 4 stars; one submission).

Conditions:
Hereditary cancer-predisposing syndrome. Also called: Neoplastic Syndromes, Hereditary; Tumor predisposition; Hereditary Cancer Syndrome; Hereditary neoplastic syndrome. Identifiers: Orphanet 140162, MedGen C0027672, MeSH D009386, MONDO:0015356.

Submission:

Ambry Genetics
Classification: Pathogenic for Hereditary cancer-predisposing syndrome. Last evaluated: 2021-10-17. Review status: criteria provided, single submitter. Criteria: Ambry Variant Classification Scheme 2023. Collection method: clinical testing. Allele origin: germline.
Comment: The c.635delT pathogenic mutation, located in coding exon 7 of the RB1 gene, results from a deletion of one nucleotide at nucleotide position 635, causing a translational frameshift with a predicted alternate stop codon (p.L212Rfs*2). This variant is considered to be rare based on population cohorts in the Genome Aggregation Database (gnomAD). In addition to the clinical data presented in the literature, this alteration is expected to result in loss of function by premature protein truncation or nonsense-mediated mRNA decay. As such, this alteration is interpreted as a disease-causing mutation.

Literature cited by the submitters: PubMed 22729126; PubMed 29261756.

NM_000321.3(RB1):c.635del (p.Leu212fs)

Gene: RB1 (RB transcriptional corepressor 1; plus strand). Cytogenetic location: 13q14.2.
Variant type: Deletion.
Coding change: c.635del on transcript NM_000321.3 (MANE Select); coding-DNA position 635, one base deleted (T; older notation c.635delT).
Protein change: p.Leu212fs; shifts the reading frame from leucine 212.
Molecular consequence: frameshift variant.
Genome position (GRCh38, 1-based): chr13:48,360,044, T deleted. VCF-style (leftmost placement, unchanged base first): chr13-48360043-CT-C. GRCh37 (hg19) VCF-style: chr13-48934179-CT-C.
Other names: c.635delT, p.Leu212Argfs (NM_001407165.1, NM_001407166.1); short protein forms L212fs.
Identifiers: ClinVar variation 1753045 (VCV001753045.2), dbSNP rs2542178490, ClinGen allele CA2580087560.